The following is an entry in ClinVar:

NM_000541.5(SAG):c.768T>G (p.Ser256Arg)

Gene: SAG (S-antigen visual arrestin; plus strand). Cytogenetic location: 2q37.1.
Variant type: single nucleotide variant.
Coding change: c.768T>G on transcript NM_000541.5 (MANE Select); coding-DNA position 768, T replaced by G.
Protein change: p.Ser256Arg; replaces serine 256 with arginine.
Molecular consequence: missense variant.
Genome position (GRCh38, 1-based): chr2:233,331,674, T>G. VCF-style: chr2-233331674-T-G. GRCh37 (hg19) VCF-style: chr2-234240320-T-G.
Other names: short protein forms S256R.
Identifiers: ClinVar variation 4742563 (VCV004742563.1).

ClinVar aggregate classification (germline): Uncertain significance (1 of 4 stars; one submission).

Submission:

Labcorp Genetics (formerly Invitae), Labcorp
Classification: Uncertain significance. Last evaluated: 2025-05-12. Review status: criteria provided, single submitter. Criteria: Invitae Variant Classification Sherloc (09022015). Collection method: clinical testing. Allele origin: germline.
Comment: This sequence change replaces serine, which is neutral and polar, with arginine, which is basic and polar, at codon 256 of the SAG protein (p.Ser256Arg). This variant is not present in population databases (gnomAD no frequency). This variant has not been reported in the literature in individuals affected with SAG-related conditions. Invitae Evidence Modeling of protein sequence and biophysical properties (such as structural, functional, and spatial information, amino acid conservation, physicochemical variation, residue mobility, and thermodynamic stability) indicates that this missense variant is not expected to disrupt SAG protein function with a negative predictive value of 80%. In summary, the available evidence is currently insufficient to determine the role of this variant in disease. Therefore, it has been classified as a Variant of Uncertain Significance.